The following is an entry in ClinVar:

NM_001042492.3(NF1):c.5609+1G>A

Gene: NF1 (neurofibromin 1; plus strand). Cytogenetic location: 17q11.2.
Variant type: single nucleotide variant.
Coding change: c.5609+1G>A on transcript NM_001042492.3 (MANE Select); the canonical splice donor site of the intron after coding-DNA position 5609, G replaced by A.
Molecular consequence: splice donor variant.
Genome position (GRCh38, 1-based): chr17:31,327,840, G>A. VCF-style: chr17-31327840-G-A. GRCh37 (hg19) VCF-style: chr17-29654858-G-A.
Other names: c.5546+1G>A (NM_000267.4).
Identifiers: ClinVar variation 428997 (VCV000428997.18), dbSNP rs1131691117, ClinGen allele CA399010077.

ClinVar aggregate classification (germline): Pathogenic. Review status: criteria provided, multiple submitters, no conflicts (2 of 4 stars). 4 submissions from 4 submitters: Pathogenic (4). Last evaluated 2025-07-17.

Conditions:
Hereditary cancer-predisposing syndrome. Also called: Hereditary neoplastic syndrome; Tumor predisposition; Neoplastic Syndromes, Hereditary; Hereditary Cancer Syndrome. Identifiers: Orphanet 140162, MedGen C0027672, MeSH D009386, MONDO:0015356.
Cardiovascular phenotype. Identifiers: MedGen CN230736.
Neurofibromatosis, type 1 (NF1). Also called: Neurofibromatosis, type I; NEUROFIBROMATOSIS, TYPE I, SOMATIC; Peripheral type neurofibromatosis; VON RECKLINGHAUSEN DISEASE. Identifiers: Orphanet 636, MedGen C0027831, MONDO:0018975, OMIM 162200. Disease mechanism: loss of function.

Allele frequency attached by ClinVar (database versions not stated): gnomAD exomes below 0.00001.
gnomAD v4.1: 1 of 1,613,508 alleles (0.000062%); highest among the groups gnomAD compares: Non-Finnish European, 0.000085%; no homozygotes.

Submissions (6):

Labcorp Genetics (formerly Invitae), Labcorp
Classification: Pathogenic for Neurofibromatosis, type 1. Last evaluated: 2025-07-17. Review status: criteria provided, single submitter. Criteria: Invitae Variant Classification Sherloc (09022015). Collection method: clinical testing. Allele origin: germline.
Comment: This sequence change affects a donor splice site in intron 37 of the NF1 gene. It is expected to disrupt RNA splicing. Variants that disrupt the donor or acceptor splice site typically lead to a loss of protein function (PMID: 16199547), and loss-of-function variants in NF1 are known to be pathogenic (PMID: 10712197, 23913538). This variant is not present in population databases (gnomAD no frequency). Disruption of this splice site has been observed in individuals with neurofibromatosis type 1 (PMID: 10712197; internal data). Invitae Evidence Modeling of clinical and family history, age, sex, and reported ancestry of multiple individuals with this NF1 variant has been performed. This variant is expected to be pathogenic with a positive predictive value of at least 99%. This is a validated machine learning model that incorporates the clinical features of 1,785,918 individuals referred to our laboratory for NF1 testing. ClinVar contains an entry for this variant (Variation ID: 428997). Algorithms developed to predict the effect of sequence changes on RNA splicing suggest that this variant may disrupt the consensus splice site. For these reasons, this variant has been classified as Pathogenic.

Ambry Genetics
Classification: Pathogenic for Cardiovascular phenotype; Hereditary cancer-predisposing syndrome. Last evaluated: 2025-04-17. Review status: criteria provided, single submitter. Criteria: Ambry Variant Classification Scheme 2023. Collection method: clinical testing. Allele origin: germline.
Comment: The c.5546+1G>A intronic pathogenic mutation results from a G to A substitution one nucleotide after coding exon 37 of the NF1 gene. This variant was reported in individual(s) with features consistent with neurofibromatosis type 1 (Fahsold R et al. Am J Hum Genet, 2000 Mar;66:790-818; Pros E et al. Hum Mutat, 2008 Sep;29:E173-93; Ambry internal data). This nucleotide position is highly conserved in available vertebrate species. In silico splice site analysis predicts that this alteration will weaken the native splice donor site. RNA studies have demonstrated that this alteration results in skipping of exon 37 (Pros E et al. Hum Mutat, 2008 Sep;29:E173-93; Ambry internal data). This variant is considered to be rare based on population cohorts in the Genome Aggregation Database (gnomAD). Based on the supporting evidence, this variant is interpreted as a disease-causing mutation.

Human Genetics Bochum, Ruhr University Bochum
Classification: Pathogenic for Neurofibromatosis, type 1. Last evaluated: 2022-07-12. Review status: criteria provided, single submitter. Criteria: ACMG Guidelines, 2015. Collection method: clinical testing. Allele origin: germline. Affected: yes.
Comment: ACMG criteria used to clasify this variant: PVS1, PM2, PS3

Genome-Nilou Lab
Classification: Pathogenic for Neurofibromatosis, type 1. Last evaluated: 2022-03-15. Review status: criteria provided, single submitter. Criteria: ACMG Guidelines, 2015. Collection method: clinical testing. Allele origin: germline. Affected: no.

Dr. Peter K. Rogan Lab, Western University
No classification provided (evidence only). Condition: Melanoma. Review status: no classification provided. Collection method: in vitro. Allele origin: not applicable. Functional consequence: skipped exon, retained intron. Not counted in ClinVar's aggregate classification.

Dr. Peter K. Rogan Lab, Western University
No classification provided (evidence only). Condition: Melanoma. Review status: no classification provided. Collection method: in vitro. Allele origin: not applicable. Functional consequence: skipped exon. Not counted in ClinVar's aggregate classification.

Literature cited by the submitters: PubMed 16199547 (cited by Labcorp Genetics (formerly Invitae), Labcorp); PubMed 10712197 (cited by Labcorp Genetics (formerly Invitae), Labcorp and Ambry Genetics); PubMed 23913538 (cited by Labcorp Genetics (formerly Invitae), Labcorp); PubMed 18546366 (cited by Ambry Genetics).